The following is an entry in ClinVar:

ClinVar aggregate classification (germline): Pathogenic/Likely pathogenic. Review status: criteria provided, multiple submitters, no conflicts (2 of 4 stars). 10 submissions from 10 submitters: Pathogenic (8); Likely pathogenic (1). 1 of the submissions does not count toward it. Last evaluated 2025-03-01.

Conditions:
AGL-related disorder. Also called: AGL-related condition.
Glycogen storage disease type III (GSD3). Also called: Cori disease; FORBES DISEASE. Identifiers: Orphanet 366, MedGen C0017922, MONDO:0009291, OMIM 232400.

Allele frequency attached by ClinVar (database versions not stated): gnomAD 0.00001; TOPMed 0.00001.
gnomAD v4.1: 43 of 1,612,514 alleles (0.0027%); highest among the groups gnomAD compares: Non-Finnish European, 0.0033%; no homozygotes.

Submissions (10):

CeGaT Center for Human Genetics Tuebingen
Classification: Pathogenic. Last evaluated: 2025-03-01. Review status: criteria provided, single submitter. Criteria: CeGaT Center For Human Genetics Tuebingen Variant Classification Criteria Version 2. Collection method: clinical testing. Allele origin: germline. Affected: yes. Observed: 2 variant alleles.
Comment: AGL: PVS1, PM2, PM3

Natera, Inc.
Classification: Pathogenic for Glycogen storage disease type III. Last evaluated: 2025-02-04. Review status: criteria provided, single submitter. Criteria: Natera Variant Classification Schema (03/2026). Collection method: clinical testing. Allele origin: germline.
Comment: The c.3682C>T variant in AGL is a nonsense variant predicted to introduce a stop codon at amino acid 1228. This variant is expected to result in nonsense mediated decay, truncation, or a dysfunctional protein product. This variant is rare in the general population with a frequency below the threshold expected for the associated phenotype(s). This variant has been observed in one or more individuals affected with the associated recessive disease, as either homozygous or compound heterozygous with a second variant (PMID: 20490926). Given the available evidence, this variant is classified as Pathogenic.

Labcorp Genetics (formerly Invitae), Labcorp
Classification: Pathogenic for Glycogen storage disease type III. Last evaluated: 2025-01-19. Review status: criteria provided, single submitter. Criteria: Invitae Variant Classification Sherloc (09022015). Collection method: clinical testing. Allele origin: germline.
Comment: This sequence change creates a premature translational stop signal (p.Arg1228*) in the AGL gene. It is expected to result in an absent or disrupted protein product. Loss-of-function variants in AGL are known to be pathogenic (PMID: 19299494). This variant is present in population databases (rs113994131, gnomAD 0.006%). This premature translational stop signal has been observed in individual(s) with glycogen storage disease (PMID: 8755644, 20490926). In at least one individual the data is consistent with being in trans (on the opposite chromosome) from a pathogenic variant. ClinVar contains an entry for this variant (Variation ID: 21216). Algorithms developed to predict the effect of sequence changes on RNA splicing suggest that this variant may disrupt the consensus splice site. For these reasons, this variant has been classified as Pathogenic.

Blueprint Genetics
Classification: Pathogenic for AGL-related disorders. Last evaluated: 2023-11-08. Review status: criteria provided, single submitter. Criteria: ACMG Guidelines, 2015. Collection method: clinical testing. Allele origin: germline. Affected: yes. Observed: 3 variant alleles.

Baylor Genetics
Classification: Pathogenic for Glycogen storage disease type III. Last evaluated: 2023-06-21. Review status: criteria provided, single submitter. Criteria: ACMG Guidelines, 2015. Collection method: clinical testing. Allele origin: unknown.

Women's Health and Genetics/Laboratory Corporation of America, LabCorp
Classification: Pathogenic for Glycogen storage disease type III. Last evaluated: 2022-07-15. Review status: criteria provided, single submitter. Criteria: LabCorp Variant Classification Summary - May 2015. Collection method: clinical testing. Allele origin: germline.
Comment: Variant summary: AGL c.3682C>T (p.Arg1228X) results in a premature termination codon, predicted to cause a truncation of the encoded protein or absence of the protein due to nonsense mediated decay, which are commonly known mechanisms for disease. Truncations downstream of this position have been classified as pathogenic by our laboratory. The variant allele was found at a frequency of 8e-06 in 250204 control chromosomes. c.3682C>T has been reported in the literature in individuals affected with Glycogen Storage Disease Type III (example, Shen_1996, Crushell_2010). These data indicate that the variant is likely to be associated with disease. To our knowledge, no experimental evidence demonstrating an impact on protein function has been reported. Four clinical diagnostic laboratories have submitted clinical-significance assessments for this variant to ClinVar after 2014 without evidence for independent evaluation. All laboratories classified the variant as pathogenic/likely pathogenic. Based on the evidence outlined above, the variant was classified as pathogenic.

Genome-Nilou Lab
Classification: Pathogenic for Glycogen storage disease type III. Last evaluated: 2021-07-15. Review status: criteria provided, single submitter. Criteria: ACMG Guidelines, 2015. Collection method: clinical testing. Allele origin: germline. Affected: no.

Illumina Laboratory Services, Illumina
Classification: Likely pathogenic for Glycogen storage disease type III. Last evaluated: 2018-09-12. Review status: criteria provided, single submitter. Criteria: ICSL Variant Classification Criteria 09 May 2019. Collection method: clinical testing. Allele origin: germline.
Comment: The AGL c.3682C>T (p.Arg1228Ter) variant is a stop-gained variant that is predicted to result in a premature termination of the protein. The p.Arg1228Ter variant has been reported in at least three studies in which it is found in a total of six individuals with glycogen storage disease type III including in one in a homozygous state, in at least three in a compound heterozygous state and in two in a heterozygous state with no second allele described (Lucchiari et al. 2002; Shen et al. 1996; Crushell et al. 2010). The p.Arg1228Ter variant was absent from 20 controls and is reported at a frequency of 0.000058 in the East Asian population of the Genome Aggregation Database but this is based on one allele in a region of good sequence coverage so the variant is presumed to be rare. Based on the clinical evidence and the potential impact of stop-gained variants, the p.Arg1228Ter variant is classified as pathogenic for glycogen storage disease type III. This variant was observed by ICSL as part of a predisposition screen in an ostensibly healthy population.

Eurofins Ntd Llc (ga)
Classification: Pathogenic. Last evaluated: 2014-06-13. Review status: criteria provided, single submitter. Criteria: EGL Classification Definitions 2015. Collection method: clinical testing. Allele origin: germline.

GeneReviews
No classification provided. Condition: Glycogen storage disease type III. Review status: no classification provided. Collection method: literature only. Allele origin: germline. Not counted in ClinVar's aggregate classification.
Comment: 2039G>A, 2590C>T and 3682C>T are 3 common variants that together account for approximately 28% of pathogenic variants in persons of European origin.

Literature cited by the submitters: PubMed 20490926 (cited by 4 submitters); PubMed 19299494 (cited by Labcorp Genetics (formerly Invitae), Labcorp); PubMed 8755644 (cited by 3 submitters); PubMed 11977176 (cited by Illumina Laboratory Services, Illumina); NCBI Bookshelf NBK26372 (cited by GeneReviews); PubMed 17196294 (cited by GeneReviews).

NM_000642.3(AGL):c.3682C>T (p.Arg1228Ter)

Gene: AGL (amylo-alpha-1,6-glucosidase and 4-alpha-glucanotransferase; plus strand). Cytogenetic location: 1p21.2.
Variant type: single nucleotide variant.
Coding change: c.3682C>T on transcript NM_000642.3 (MANE Select); coding-DNA position 3682, C replaced by T.
Protein change: p.Arg1228Ter; replaces arginine 1228 with a stop codon.
Molecular consequence: nonsense.
Genome position (GRCh38, 1-based): chr1:99,902,776, C>T. VCF-style: chr1-99902776-C-T. GRCh37 (hg19) VCF-style: chr1-100368332-C-T.
Other names: c.3682C>T, p.Arg1228Ter (NM_000643.3, NM_000644.3, NM_001425325.1 and 1 more transcripts); c.3634C>T, p.Arg1212Ter (NM_000646.3); c.3661C>T, p.Arg1221Ter (NM_001425326.1); c.3481C>T, p.Arg1161Ter (NM_001425327.1); c.3478C>T, p.Arg1160Ter (NM_001425328.1); c.3343C>T, p.Arg1115Ter (NM_001425329.1); c.3304C>T, p.Arg1102Ter (NM_001425332.1); short protein forms R1228*, R1212*, R1102*, R1115*, R1160*, R1161*, R1221*.
Identifiers: ClinVar variation 21216 (VCV000021216.35), dbSNP rs113994131, ClinGen allele CA341743.